The following is an entry in ClinVar:

NM_001035.3(RYR2):c.6123G>C (p.Lys2041Asn)

Gene: RYR2 (ryanodine receptor 2; plus strand). Cytogenetic location: 1q43.
Variant type: single nucleotide variant.
Coding change: c.6123G>C on transcript NM_001035.3 (MANE Select); coding-DNA position 6123, G replaced by C.
Protein change: p.Lys2041Asn; replaces lysine 2041 with asparagine.
Molecular consequence: missense variant.
Genome position (GRCh38, 1-based): chr1:237,625,761, G>C. VCF-style: chr1-237625761-G-C. GRCh37 (hg19) VCF-style: chr1-237789061-G-C.
Other names: short protein forms K2041N.
Identifiers: ClinVar variation 2774318 (VCV002774318.2), dbSNP rs2546873911, ClinGen allele CA345409194.

ClinVar aggregate classification (germline): Uncertain significance (1 of 4 stars; one submission).

Conditions:
Cardiomyopathy (CMYO). Also called: Cardiomyopathies. Identifiers: Orphanet 167848, MedGen C0878544, MONDO:0004994, HP:0001638. Inheritance: Various modes of inheritance.

Submission:

Color Diagnostics, LLC DBA Color Health
Classification: Uncertain significance for Cardiomyopathy. Last evaluated: 2023-07-17. Review status: criteria provided, single submitter. Criteria: ACMG Guidelines, 2015. Collection method: clinical testing. Allele origin: germline.
Comment: This missense variant replaces lysine with asparagine at codon 2041 of the RYR2 protein. Computational prediction suggests that this variant may not impact protein structure and function (internally defined REVEL score threshold <= 0.5, PMID: 27666373). To our knowledge, functional studies have not been reported for this variant. This variant has not been reported in individuals affected with RYR2-related disorders in the literature. This variant has not been identified in the general population by the Genome Aggregation Database (gnomAD). The available evidence is insufficient to determine the role of this variant in disease conclusively. Therefore, this variant is classified as a Variant of Uncertain Significance.